The following is an entry in ClinVar:

ClinVar aggregate classification (germline): Uncertain significance (1 of 4 stars; one submission).

Submission:

Mayo Clinic Laboratories, Mayo Clinic
Classification: Uncertain significance. Last evaluated: 2025-07-24. Review status: criteria provided, single submitter. Criteria: ACMG Guidelines, 2015. Collection method: clinical testing. Allele origin: germline. Observed: 1 variant allele.
Comment: PP3_moderate, PM2_supporting

NM_000289.6(PFKM):c.94G>A (p.Ala32Thr)

Gene: PFKM (phosphofructokinase, muscle; plus strand). Cytogenetic location: 12q13.11.
Variant type: single nucleotide variant.
Coding change: c.94G>A on transcript NM_000289.6 (MANE Select); coding-DNA position 94, G replaced by A.
Protein change: p.Ala32Thr; replaces alanine 32 with threonine.
Molecular consequence: missense variant. On other transcripts: non-coding transcript variant (4), intron variant (2).
Genome position (GRCh38, 1-based): chr12:48,130,371, G>A. VCF-style: chr12-48130371-G-A. GRCh37 (hg19) VCF-style: chr12-48524154-G-A.
Other names: p.Ala32Thr; c.307G>A, p.Ala103Thr (NM_001166686.2, NM_001354737.1, NM_001354738.1 and 2 more transcripts); c.94G>A, p.Ala32Thr (NM_001166687.2, NM_001166688.2, NM_001354742.2 and 4 more transcripts); c.403G>A, p.Ala135Thr (NM_001354735.1, NM_001354736.1); c.238G>A, p.Ala80Thr (NM_001354740.1); c.118G>A, p.Ala40Thr (NM_001354741.2); c.7G>A, p.Ala3Thr (NM_001354745.2); c.10-945G>A (NM_001354747.2, NM_001354748.2); short protein forms A135T, A103T, A3T, A40T, A32T, A80T.
Identifiers: ClinVar variation 4541711 (VCV004541711.1).